The following is an entry in ClinVar:

ClinVar aggregate classification (germline): Likely pathogenic. Review status: reviewed by expert panel (3 of 4 stars). 5 submissions from 5 submitters: Likely pathogenic (1). 4 of the submissions do not count toward it. Last evaluated 2026-04-20.

Conditions:
Cerebral creatine deficiency syndrome. Also called: Creatine deficiency syndromes. Identifiers: Orphanet 79172, MedGen C5244016, MONDO:0000456.
Deficiency of guanidinoacetate methyltransferase (CCDS2). Also called: GAMT DEFICIENCY; CEREBRAL CREATINE DEFICIENCY SYNDROME 2; Guanidinoacetate Methyltransferase (GAMT) Deficiency. Identifiers: Orphanet 382, MedGen C0574080, MONDO:0012999, OMIM 612736.

Allele frequency attached by ClinVar (database versions not stated): gnomAD exomes 0.00003 and 0.00001; ExAC 0.00001; gnomAD 0.00001; ESP Exome Variant Server 0.00008.

Submissions (5):

ClinGen Cerebral Creatine Deficiency Syndromes Variant Curation Expert Panel, ClinGen
Classification: Likely pathogenic for Deficiency of guanidinoacetate methyltransferase. Last evaluated: 2026-04-20. Review status: reviewed by expert panel. Criteria: ClinGen CCDS ACMG Specifications GAMT V2.0.0. Collection method: curation. Allele origin: germline. Inheritance: Autosomal recessive inheritance.
Comment: The NM_000156.6:c.391+15G>T variant is in intron 3 of GAMT. The computational predictor, SpliceAI, predicts the creation of a new donor splice site 2 bp upstream (score 0.98) indicating that this variants may impact splicing (PP3). This variant has been identified a homozygous individual with clinical features consistent with GAMT deficiency, "decreased" GAMT enzyme activity in fibroblasts, elevated GAA and low or low normal creatine in urine, low creatine on brain MRS (PMID: 23234264, 29506905; assumed to be the same patient in both publications) (PP4_Strong, PM3_Supporting). The highest population minor allele frequency in gnomAD v4.1.0 is 0.00003651 (43/1177768 alleles) in the European (non-Finnish) population, which is lower than the ClinGen CCDS VCEP’s threshold for PM2_Supporting (<0.0004), meeting this criterion (PM2_Supporting). There is a ClinVar entry for this variant (ClinVar Variation ID: 544259). In summary, this variant meets the criteria to be classified as likely pathogenic for GAMT deficiency. GAMT-specific ACMG/AMP criteria applied, as specified by the ClinGen Cerebral Creatine Deficiency Syndromes Variant Curation Expert Panel (Specifications Version 2.0.0): PP4_Strong, PP3, PM2_Supporting, PM3_Supporting. (Classification approved by the ClinGen Cerebral Creatine Deficiency Syndromes Variant Curation Expert Panel on April 20, 2026)

Labcorp Genetics (formerly Invitae), Labcorp
Classification: Likely pathogenic for Cerebral creatine deficiency syndrome. Last evaluated: 2026-01-23. Review status: criteria provided, single submitter. Criteria: Invitae Variant Classification Sherloc (09022015). Collection method: clinical testing. Allele origin: germline. Not counted in ClinVar's aggregate classification.
Comment: This sequence change falls in intron 3 of the GAMT gene. It does not directly change the encoded amino acid sequence of the GAMT protein. This variant is present in population databases (rs367567416, gnomAD 0.004%). This variant has been observed in individual(s) with primary creatine disorder and GAMT deficiency (PMID: 23234264; internal data). ClinVar contains an entry for this variant (Variation ID: 544259). Algorithms developed to predict the effect of sequence changes on RNA splicing suggest that this variant may disrupt the consensus splice site. In summary, the currently available evidence indicates that the variant is pathogenic, but additional data are needed to prove that conclusively. Therefore, this variant has been classified as Likely Pathogenic.

Women's Health and Genetics/Laboratory Corporation of America, LabCorp
Classification: Uncertain significance. Last evaluated: 2025-06-10. Review status: criteria provided, single submitter. Criteria: LabCorp Variant Classification Summary - May 2015. Collection method: clinical testing. Allele origin: germline. Not counted in ClinVar's aggregate classification.
Comment: Variant summary: GAMT c.391+15G>T alters a non-conserved nucleotide located at a position not widely known to affect splicing. Several computational tools predict a significant impact on normal splicing: Four predict the variant creates a 5 donor site. However, these predictions have yet to be confirmed by functional studies. The variant allele was found at a frequency of 1.2e-05 in 244900 control chromosomes.c.391+15G>T has been reported in the literature as a homozygous genotype in an individual affected with Cerebral Creatine Deficiency Syndrome (e.g. Cheillan_2012). Enzyme studies in cells from this individual confirmed deficient GAMT activity, however to our knowledge, no additional experimental evidence demonstrating an impact on protein function has been reported. The following publications have been ascertained in the context of this evaluation (PMID: 23234264, 29506905). ClinVar contains an entry for this variant (Variation ID: 544259). Based on the evidence outlined above, the variant was classified as VUS-possibly pathogenic.

3billion
Classification: Uncertain significance for Deficiency of guanidinoacetate methyltransferase. Last evaluated: 2024-09-28. Review status: criteria provided, single submitter. Criteria: ACMG Guidelines, 2015. Collection method: clinical testing. Allele origin: germline. Affected: yes. Not counted in ClinVar's aggregate classification.
Comment: The variant is observed at an extremely low frequency in the gnomAD v4.1.0 dataset (total allele frequency: 0.003%). Predicted Consequence/Location: Intron variant In silico tools predict the variant to alter splicing and produce an abnormal transcript [SpliceAI: 0.98 (>=0.2, moderate evidence for spliceogenicity)]. The variant has been reported to be associated with GAMT related disorder (PMID: 23234264). However, the evidence of pathogenicity is insufficient at this time. Therefore, this variant is classified as VUS according to the recommendation of ACMG/AMP guideline.

Broad Center for Mendelian Genomics, Broad Institute of MIT and Harvard
Classification: Uncertain significance for Cerebral creatine deficiency syndrome. Last evaluated: 2021-11-02. Review status: criteria provided, single submitter. Criteria: ACMG Guidelines, 2015. Collection method: curation. Allele origin: germline. Inheritance: Autosomal recessive inheritance. Not counted in ClinVar's aggregate classification.
Comment: The c.391+15G>T variant in GAMT has been reported in 1 homozygous individual with cerebral creatine deficiency syndrome (PMID: 23234264) and has been identified in in 0.003% (4/125836) of European (non-Finnish) chromosomes by the Genome Aggregation Database (gnomAD; dbSNP ID: rs367567416). Although this variant has been seen in the general population in a heterozygous state, its frequency is low enough to be consistent with a recessive carrier frequency. This variant has also been reported in ClinVar (Variation ID#: 544259) and has been interpreted as VUS by Invitae. This variant is located in the 3' splice region. In vitro functional studies provide some evidence that the c.391+15G>T variant may slightly impact protein function (PMID: 23234264). However, these types of assays may not accurately represent biological function. Computational tools do suggest an impact to splicing. However, this information is not predictive enough to determine pathogenicity. In summary, the clinical significance of the c.391+15G>T variant is uncertain. ACMG/AMP Criteria applied: PM2_supporting, PS3_supporting, PM3_supporting, PP3 (Richards 2015).

Literature cited by the submitters: PubMed 23234264 (cited by 3 submitters); PubMed 29506905 (cited by Women's Health and Genetics/Laboratory Corporation of America, LabCorp).

NM_000156.6(GAMT):c.391+15G>T

Gene: GAMT (guanidinoacetate N-methyltransferase; minus strand). Cytogenetic location: 19p13.3.
Variant type: single nucleotide variant.
Coding change: c.391+15G>T on transcript NM_000156.6 (MANE Select); 15 bases into the intron after coding-DNA position 391, G replaced by T.
Molecular consequence: intron variant.
Genome position (GRCh38, 1-based): chr19:1,399,509, C>A on the plus strand (G>T on the coding strand, the complement: GAMT is on the minus strand). VCF-style: chr19-1399509-C-A. GRCh37 (hg19) VCF-style: chr19-1399508-C-A.
Other names: c.391+15G>T (NM_138924.3).
Identifiers: ClinVar variation 544259 (VCV000544259.16), dbSNP rs367567416, ClinGen allele CA9043702.